The following is an entry in ClinVar:

ClinVar aggregate classification (germline): Conflicting classifications of pathogenicity. Review status: criteria provided, conflicting classifications (1 of 4 stars). 3 submissions from 3 submitters: Uncertain significance (2); Benign (1). Last evaluated 2025-06-24.

Conditions:
Hereditary cancer-predisposing syndrome. Also called: Hereditary neoplastic syndrome; Hereditary Cancer Syndrome; Neoplastic Syndromes, Hereditary; Tumor predisposition. Identifiers: Orphanet 140162, MedGen C0027672, MeSH D009386, MONDO:0015356.
Hereditary breast ovarian cancer syndrome. Also called: BRCA1- and BRCA2-Associated Hereditary Breast and Ovarian Cancer; Hereditary breast and ovarian cancer syndrome; Hereditary breast and ovarian cancer; Hereditary breast and ovarian cancer syndrome (HBOC); Breast and ovarian cancer; Hereditary breast and/or ovarian cancer syndrome. Identifiers: Orphanet 145, MedGen C0677776, MeSH D061325, MONDO:0003582. Disease mechanism: loss of function.

Submissions (3):

Ambry Genetics
Classification: Benign for Hereditary cancer-predisposing syndrome. Last evaluated: 2025-06-24. Review status: criteria provided, single submitter. Criteria: Ambry Variant Classification Scheme 2023. Collection method: clinical testing. Allele origin: germline.

GeneDx
Classification: Uncertain significance. Last evaluated: 2023-01-05. Review status: criteria provided, single submitter. Criteria: GeneDx Variant Classification Process June 2021. Collection method: clinical testing. Allele origin: germline. Affected: yes.
Comment: Not observed at significant frequency in large population cohorts (gnomAD); In silico analysis supports that this missense variant does not alter protein structure/function; Has not been previously published as pathogenic or benign to our knowledge; Also known as 7707G>A; This variant is associated with the following publications: (PMID: 12228710, 27397505, 31911673, 29884841, 32377563)

Labcorp Genetics (formerly Invitae), Labcorp
Classification: Uncertain significance for Hereditary breast ovarian cancer syndrome. Last evaluated: 2018-04-02. Review status: criteria provided, single submitter. Criteria: Invitae Variant Classification Sherloc (09022015). Collection method: clinical testing. Allele origin: germline.
Comment: In summary, the available evidence is currently insufficient to determine the role of this variant in disease. Therefore, it has been classified as a Variant of Uncertain Significance. Algorithms developed to predict the effect of missense changes on protein structure and function output the following: SIFT: "Tolerated"; PolyPhen-2: "Benign"; Align-GVGD: "Class C0". The isoleucine amino acid residue is found in multiple mammalian species, suggesting that this missense change does not adversely affect protein function. These predictions have not been confirmed by published functional studies and their clinical significance is uncertain. This variant has not been reported in the literature in individuals with BRCA2-related disease. ClinVar contains an entry for this variant (Variation ID: 234560). This variant is not present in population databases (ExAC no frequency). This sequence change replaces methionine with isoleucine at codon 2493 of the BRCA2 protein (p.Met2493Ile). The methionine residue is highly conserved and there is a small physicochemical difference between methionine and isoleucine.

NM_000059.4(BRCA2):c.7479G>A (p.Met2493Ile)

Gene: BRCA2 (BRCA2 DNA repair associated; plus strand). Cytogenetic location: 13q13.1.
Variant type: single nucleotide variant.
Coding change: c.7479G>A on transcript NM_000059.4 (MANE Select); coding-DNA position 7479, G replaced by A.
Protein change: p.Met2493Ile; replaces methionine 2493 with isoleucine.
Molecular consequence: missense variant.
Genome position (GRCh38, 1-based): chr13:32,356,471, G>A. VCF-style: chr13-32356471-G-A. GRCh37 (hg19) VCF-style: chr13-32930608-G-A.
Other names: short protein forms M2493I.
Identifiers: ClinVar variation 234560 (VCV000234560.13), dbSNP rs876661086, ClinGen allele CA10577491.
Genomic context (GRCh38, chr13:32,356,471, plus strand): 5'-TATTTATTCTTTGATAGATTTAATTACAAGTCTTCAGAATGCCAGAGATATACAGGATAT[G>A]CGAATTAAGAAGAAACAAAGGCAACGCGTCTTTCCACAGCCAGGCAGTCTGTATCTTGCA-3'
Protein context (NP_000050.3, residues 2483-2503): SLQNARDIQD[Met2493Ile]RIKKKQRQRV